The following is an entry in ClinVar:

ClinVar aggregate classification (germline): Pathogenic (1 of 4 stars; one submission).

Conditions:
Citrin deficiency. Identifiers: Orphanet 247582, MedGen C1997910, MONDO:0016602.

Submission:

Labcorp Genetics (formerly Invitae), Labcorp
Classification: Pathogenic for Citrin deficiency. Last evaluated: 2021-09-29. Review status: criteria provided, single submitter. Criteria: Invitae Variant Classification Sherloc (09022015). Collection method: clinical testing. Allele origin: germline.
Comment: For these reasons, this variant has been classified as Pathogenic. This variant has not been reported in the literature in individuals affected with SLC25A13-related conditions. This variant is not present in population databases (ExAC no frequency). This sequence change creates a premature translational stop signal (p.Glu32*) in the SLC25A13 gene. It is expected to result in an absent or disrupted protein product. Loss-of-function variants in SLC25A13 are known to be pathogenic (PMID: 10369257, 14680984, 27405544).

Literature cited by the submitters: PubMed 10369257; PubMed 14680984; PubMed 27405544.

NM_014251.3(SLC25A13):c.94G>T (p.Glu32Ter)

Gene: SLC25A13 (solute carrier family 25 member 13; minus strand). Cytogenetic location: 7q21.3.
Variant type: single nucleotide variant.
Coding change: c.94G>T on transcript NM_014251.3 (MANE Select); coding-DNA position 94, G replaced by T.
Protein change: p.Glu32Ter; replaces glutamic acid 32 with a stop codon.
Molecular consequence: nonsense. On other transcripts: non-coding transcript variant (1).
Genome position (GRCh38, 1-based): chr7:96,277,314, C>A on the plus strand (G>T on the coding strand, the complement: SLC25A13 is on the minus strand). VCF-style: chr7-96277314-C-A. GRCh37 (hg19) VCF-style: chr7-95906626-C-A.
Other names: c.94G>T, p.Glu32Ter (NM_001160210.2); short protein forms E32*.
Identifiers: ClinVar variation 1386444 (VCV001386444.6), dbSNP rs2116939424, ClinGen allele CA368406699.